The following is an entry in ClinVar:

ClinVar aggregate classification (germline): Uncertain significance. Review status: criteria provided, multiple submitters, no conflicts (2 of 4 stars). 2 submissions from 2 submitters: Uncertain significance (2). Last evaluated 2024-12-25.

Conditions:
EGFR-related lung cancer (EGFR). Identifiers: MedGen CN130014.
Hereditary cancer-predisposing syndrome. Also called: Hereditary Cancer Syndrome; Neoplastic Syndromes, Hereditary; Tumor predisposition; Hereditary neoplastic syndrome. Identifiers: Orphanet 140162, MedGen C0027672, MeSH D009386, MONDO:0015356.

Allele frequency attached by ClinVar (database versions not stated): gnomAD exomes below 0.00001 and 0.00001; ExAC 0.00001; gnomAD 0.00002; TOPMed 0.00002.
gnomAD v4.1: 7 of 1,614,060 alleles (0.00043%); highest among the groups gnomAD compares: African/African-American, 0.0093%; no homozygotes.

Submissions (2):

Ambry Genetics
Classification: Uncertain significance for Hereditary cancer-predisposing syndrome. Last evaluated: 2024-12-25. Review status: criteria provided, single submitter. Criteria: Ambry Variant Classification Scheme 2023. Collection method: clinical testing. Allele origin: germline.
Comment: The p.A597S variant (also known as c.1789G>T), located in coding exon 15 of the EGFR gene, results from a G to T substitution at nucleotide position 1789. The alanine at codon 597 is replaced by serine, an amino acid with similar properties. This amino acid position is conserved. In addition, this alteration is predicted to be tolerated by in silico analysis. Based on the available evidence, the clinical significance of this variant remains unclear.

Labcorp Genetics (formerly Invitae), Labcorp
Classification: Uncertain significance for EGFR-related lung cancer. Last evaluated: 2024-12-10. Review status: criteria provided, single submitter. Criteria: Invitae Variant Classification Sherloc (09022015). Collection method: clinical testing. Allele origin: germline.
Comment: This sequence change replaces alanine, which is neutral and non-polar, with serine, which is neutral and polar, at codon 597 of the EGFR protein (p.Ala597Ser). This variant is present in population databases (rs757419349, gnomAD 0.01%). This variant has not been reported in the literature in individuals affected with EGFR-related conditions. ClinVar contains an entry for this variant (Variation ID: 1022811). Invitae Evidence Modeling of protein sequence and biophysical properties (such as structural, functional, and spatial information, amino acid conservation, physicochemical variation, residue mobility, and thermodynamic stability) indicates that this missense variant is not expected to disrupt EGFR protein function with a negative predictive value of 80%. In summary, the available evidence is currently insufficient to determine the role of this variant in disease. Therefore, it has been classified as a Variant of Uncertain Significance.

NM_005228.5(EGFR):c.1789G>T (p.Ala597Ser)

Gene: EGFR (epidermal growth factor receptor; plus strand). Cytogenetic location: 7p11.2.
Variant type: single nucleotide variant.
Coding change: c.1789G>T on transcript NM_005228.5 (MANE Select); coding-DNA position 1789, G replaced by T.
Protein change: p.Ala597Ser; replaces alanine 597 with serine.
Molecular consequence: missense variant.
Genome position (GRCh38, 1-based): chr7:55,165,346, G>T. VCF-style: chr7-55165346-G-T. GRCh37 (hg19) VCF-style: chr7-55233039-G-T.
Other names: c.1789G>T (NM_005228.3); c.1654G>T, p.Ala552Ser (NM_001346897.2, NM_001346899.2); c.1789G>T, p.Ala597Ser (NM_001346898.2, NM_201282.2, NM_201284.2); c.1630G>T, p.Ala544Ser (NM_001346900.2); c.988G>T, p.Ala330Ser (NM_001346941.2); short protein forms A330S, A544S, A552S, A597S.
Identifiers: ClinVar variation 1022811 (VCV001022811.8), dbSNP rs757419349, ClinGen allele CA4265695.